The following is an entry in ClinVar:

NM_021224.6(ZNF462):c.2022_2023insTTGTAA (p.Ala675delinsLeuTer)

Gene: ZNF462 (zinc finger protein 462; plus strand). Cytogenetic location: 9q31.2.
Variant type: Insertion.
Coding change: c.2022_2023insTTGTAA on transcript NM_021224.6 (MANE Select); coding-DNA positions 2022 to 2023, TTGTAA inserted.
Protein change: p.Ala675delinsLeuTer.
Molecular consequence: nonsense.
Genome position: GRCh38 VCF-style: chr9-106925932-A-AAATTGT. GRCh37 (hg19) VCF-style: chr9-109688213-A-AAATTGT.
Other names: c.2022_2023insTTGTAA, p.Ala675delinsLeuTer (NM_001347997.2).
Identifiers: ClinVar variation 3476082 (VCV003476082.1).
Genomic context (GRCh38, chr9:106,925,932, plus strand): 5'-ACTGTGAAGAAAAGTCAGACCTCAATTCTTGGGTTGTCCTCCAAGAACAATTTTGTAGCT[A>AAATTGT]AAGCCTCTAGGAAGCTCGCCAATGACTTTCCTCTAGATTTGTCACCCGTGAAGAAGAGAA-3'

ClinVar aggregate classification (germline): Pathogenic (1 of 4 stars; one submission).

Conditions:
Inborn genetic diseases. Identifiers: MedGen C0950123, MeSH D030342.

Submission:

Ambry Genetics
Classification: Pathogenic for Inborn genetic diseases. Last evaluated: 2024-08-26. Review status: criteria provided, single submitter. Criteria: Ambry Variant Classification Scheme 2023. Collection method: clinical testing. Allele origin: germline.
Comment: The c.2022_2023insTTGTAA (p.K674_A675insL*) alteration, located in exon 3 (coding exon 2) of the ZNF462 gene, consists of an in-frame insertion of 6 nucleotides between nucleotide positions c.2022 and c.2023. This changes the amino acid at position p.675 from an alanine to a leucine and the amino acid at position p.676 to a stop codon. This alteration is expected to result in loss of function by premature protein truncation or nonsense-mediated mRNA decay. This variant was not reported in population-based cohorts in the Genome Aggregation Database (gnomAD). Based on the available evidence, this alteration is classified as pathogenic.